The following is an entry in ClinVar:

NM_170606.3(KMT2C):c.7550C>G (p.Ser2517Ter)

Gene: KMT2C (lysine methyltransferase 2C; minus strand). Cytogenetic location: 7q36.1.
Variant type: single nucleotide variant.
Coding change: c.7550C>G on transcript NM_170606.3 (MANE Select); coding-DNA position 7550, C replaced by G.
Protein change: p.Ser2517Ter; replaces serine 2517 with a stop codon.
Molecular consequence: nonsense.
Genome position (GRCh38, 1-based): chr7:152,177,903, G>C on the plus strand (C>G on the coding strand, the complement: KMT2C is on the minus strand). VCF-style: chr7-152177903-G-C. GRCh37 (hg19) VCF-style: chr7-151874988-G-C.
Other names: NM_170606.2:c.7550C>G(p.Ser2517Ter); short protein forms S2517*.
Identifiers: ClinVar variation 446224 (VCV000446224.2), dbSNP rs779659766, ClinGen allele CA370086478.

ClinVar aggregate classification (germline): Pathogenic/Likely pathogenic. Review status: criteria provided, multiple submitters, no conflicts (2 of 4 stars). 3 submissions from 3 submitters: Pathogenic (1); Likely pathogenic (1). 1 of the submissions does not count toward it. Last evaluated 2018-04-16.

Conditions:
KMT2C-related NDD.
Kleefstra syndrome 2 (KLEFS2). Identifiers: MedGen C4540395, MONDO:0054701, OMIM 617768.

Submissions (3):

SIB Swiss Institute of Bioinformatics
Classification: Likely pathogenic for Kleefstra syndrome 2. Last evaluated: 2018-04-16. Review status: criteria provided, single submitter. Criteria: ACMG Guidelines, 2015. Collection method: curation. Allele origin: germline.
Comment: This variant is interpreted as a Likely Pathogenic, for Kleefstra syndrome 2, Autosomal Dominant inheritance. The following ACMG Tag(s) were applied: PM2 => Absent from controls (or at extremely low frequency if recessive) in Exome Sequencing Project, 1000 Genomes Project, or Exome Aggregation Consortium. PVS1-Moderate => PVS1 downgraded in strength to Moderate. PM6 => Assumed de novo, but without confirmation of paternity and maternity (PMID:29069077).

Laboratory of Genetics, Children's Clinical University Hospital Latvia
Classification: Pathogenic for KMT2C-related NDD. Review status: criteria provided, single submitter. Criteria: ACMG Guidelines, 2015. Collection method: research. Allele origin: de novo. Affected: yes.

OMIM
Classification: Pathogenic for KLEEFSTRA SYNDROME 2. Last evaluated: 2017-11-14. Review status: no assertion criteria provided. Collection method: literature only. Allele origin: germline. Not counted in ClinVar's aggregate classification.

Literature cited by the submitters: PubMed 29069077 (cited by SIB Swiss Institute of Bioinformatics and OMIM); PubMed 39013459 (cited by Laboratory of Genetics, Children's Clinical University Hospital Latvia).